The following is an entry in ClinVar:

ClinVar aggregate classification (germline): Likely benign (1 of 4 stars; one submission).

Submission:

CeGaT Center for Human Genetics Tuebingen
Classification: Likely benign. Last evaluated: 2025-06-01. Review status: criteria provided, single submitter. Criteria: CeGaT Center For Human Genetics Tuebingen Variant Classification Criteria Version 2. Collection method: clinical testing. Allele origin: germline. Affected: yes. Observed: 1 variant allele.
Comment: LDHD: BP4, BS1

NM_194436.3(LDHD):c.503C>T (p.Ala168Val)

Gene: LDHD (lactate dehydrogenase D; minus strand). Cytogenetic location: 16q23.1.
Variant type: single nucleotide variant.
Coding change: c.503C>T on transcript NM_194436.3 (MANE Select); coding-DNA position 503, C replaced by T.
Protein change: p.Ala168Val; replaces alanine 168 with valine.
Molecular consequence: missense variant.
Genome position (GRCh38, 1-based): chr16:75,114,652, G>A on the plus strand (C>T on the coding strand, the complement: LDHD is on the minus strand). VCF-style: chr16-75114652-G-A. GRCh37 (hg19) VCF-style: chr16-75148550-G-A.
Other names: c.503C>T, p.Ala168Val (NM_153486.4); short protein forms A168V.
Identifiers: ClinVar variation 4083950 (VCV004083950.8).